The following is an entry in ClinVar:

ClinVar aggregate classification (germline): Likely pathogenic. Review status: criteria provided, multiple submitters, no conflicts (2 of 4 stars). 2 submissions from 2 submitters: Likely pathogenic (2). Last evaluated 2024-08-08.

Conditions:
Medulloblastoma (MDB). Also called: Medulloblastoma, somatic; MEDULLOBLASTOMA PREDISPOSITION SYNDROME. Identifiers: Orphanet 616, MedGen C0025149, MeSH D008527, MONDO:0007959, OMIM 155255, HP:0002885.
Familial meningioma. Also called: Meningioma, familial, susceptibility to. Identifiers: Orphanet 263662, MedGen C3551915, MONDO:0011789, OMIM 607174.
Basal cell nevus syndrome 2 (BCNS2). Also called: NEVOID BASAL CELL CARCINOMA SYNDROME 2. Identifiers: MedGen C5830451, MONDO:0958189, OMIM 620343.
Joubert syndrome 32 (JBTS32). Identifiers: MedGen C4540342, MONDO:0033309, OMIM 617757.
Gorlin syndrome. Also called: Nevoid Basal Cell Carcinoma Syndrome; Basal cell nevus syndrome. Identifiers: Orphanet 377, MedGen C0004779, MONDO:0007187.

Submissions (2):

Labcorp Genetics (formerly Invitae), Labcorp
Classification: Likely pathogenic for Gorlin syndrome; Medulloblastoma. Last evaluated: 2024-08-08. Review status: criteria provided, single submitter. Criteria: Invitae Variant Classification Sherloc (09022015). Collection method: clinical testing. Allele origin: germline.
Comment: This sequence change affects an acceptor splice site in intron 8 of the SUFU gene. It is expected to disrupt RNA splicing. Variants that disrupt the donor or acceptor splice site typically lead to a loss of protein function (PMID: 16199547), and loss-of-function variants in SUFU are known to be pathogenic (PMID: 22508808, 25403219, 33024317). This variant is not present in population databases (gnomAD no frequency). This variant has not been reported in the literature in individuals affected with SUFU-related conditions. ClinVar contains an entry for this variant (Variation ID: 406381). Algorithms developed to predict the effect of sequence changes on RNA splicing suggest that this variant may disrupt the consensus splice site. In summary, the currently available evidence indicates that the variant is pathogenic, but additional data are needed to prove that conclusively. Therefore, this variant has been classified as Likely Pathogenic.

New York Genome Center
Classification: Likely pathogenic for Basal cell nevus syndrome 2; Joubert syndrome 32. Last evaluated: 2023-06-10. Review status: criteria provided, single submitter. Criteria: NYGC Assertion Criteria 2020. Collection method: clinical testing. Allele origin: germline. Observed: 1 heterozygote.

Literature cited by the submitters: PubMed 16199547 (cited by Labcorp Genetics (formerly Invitae), Labcorp); PubMed 22508808 (cited by Labcorp Genetics (formerly Invitae), Labcorp); PubMed 25403219 (cited by Labcorp Genetics (formerly Invitae), Labcorp); PubMed 33024317 (cited by Labcorp Genetics (formerly Invitae), Labcorp).

NM_016169.4(SUFU):c.1023-2A>T

Gene: SUFU (SUFU negative regulator of hedgehog signaling; plus strand). Cytogenetic location: 10q24.32.
Variant type: single nucleotide variant.
Coding change: c.1023-2A>T on transcript NM_016169.4 (MANE Select); the canonical splice acceptor site of the intron before coding-DNA position 1023, A replaced by T.
Molecular consequence: splice acceptor variant.
Genome position (GRCh38, 1-based): chr10:102,615,266, A>T. VCF-style: chr10-102615266-A-T. GRCh37 (hg19) VCF-style: chr10-104375023-A-T.
Other names: c.1023-2A>T (NM_001178133.2).
Identifiers: ClinVar variation 406381 (VCV000406381.13), dbSNP rs1060501105, ClinGen allele CA16612826.